The following is an entry in ClinVar:

ClinVar aggregate classification (germline): Uncertain significance (1 of 4 stars; one submission).

Conditions:
Hereditary breast ovarian cancer syndrome. Also called: Hereditary breast and ovarian cancer syndrome; Hereditary breast and ovarian cancer; Hereditary breast and ovarian cancer syndrome (HBOC); Breast and ovarian cancer; Hereditary breast and/or ovarian cancer syndrome; BRCA1- and BRCA2-Associated Hereditary Breast and Ovarian Cancer. Identifiers: Orphanet 145, MedGen C0677776, MeSH D061325, MONDO:0003582. Disease mechanism: loss of function.

Submission:

Labcorp Genetics (formerly Invitae), Labcorp
Classification: Uncertain significance for Hereditary breast ovarian cancer syndrome. Last evaluated: 2023-04-13. Review status: criteria provided, single submitter. Criteria: Invitae Variant Classification Sherloc (09022015). Collection method: clinical testing. Allele origin: unknown.
Comment: In summary, the available evidence is currently insufficient to determine the role of this variant in disease. Therefore, it has been classified as a Variant of Uncertain Significance. Experimental studies and prediction algorithms are not available or were not evaluated, and the functional significance of this variant is currently unknown. This variant is a gross deletion of the genomic region encompassing exon(s) 8-9 of the BRCA2 gene. This variant would be expected to be in-frame, preserving the integrity of the reading frame. This variant has not been reported in the literature in individuals affected with BRCA2-related conditions.

NC_000013.10:g.(?_32903560)_(32905187_?)del

Gene: BRCA2 (BRCA2 DNA repair associated; plus strand). Cytogenetic location: 13q13.1.
Variant type: Deletion.
Identifiers: ClinVar variation 3244173 (VCV003244173.1).